The following is an entry in ClinVar:

NM_001034853.2(RPGR):c.3034del (p.Glu1012fs)

Gene: RPGR (retinitis pigmentosa GTPase regulator; minus strand). Cytogenetic location: Xp11.4.
Variant type: Deletion.
Coding change: c.3034del on transcript NM_001034853.2 (MANE Select); coding-DNA position 3034, one base deleted (G; older notation c.3034delG).
Protein change: p.Glu1012fs; shifts the reading frame from glutamic acid 1012.
Molecular consequence: frameshift variant. On other transcripts: intron variant (8).
Genome position (GRCh38, 1-based): chrX:38,285,965, C deleted on the plus strand (G on the coding strand, the reverse complement: RPGR is on the minus strand). VCF-style (leftmost placement, unchanged base first): chrX-38285964-TC-T. GRCh37 (hg19) VCF-style: chrX-38145217-TC-T.
Other names: NM_001034853.2(RPGR):c.3034del; p.Glu1012fs; c.1569+4994del (NM_001367249.1, NM_001367250.1); c.1902+1129del (NM_001367245.1); c.1386+4994del (NM_001367251.1); c.1719+1129del (NM_001367246.1); c.1572+4994del (NM_001367247.1); c.1905+1129del (NM_000328.3); and 1 more; short protein forms E1012fs.
Identifiers: ClinVar variation 1012646 (VCV001012646.39), dbSNP rs2067128124, ClinGen allele CA2424844266.

ClinVar aggregate classification (germline): Likely pathogenic. Review status: reviewed by expert panel (3 of 4 stars). 2 submissions from 2 submitters: Likely pathogenic (1). 1 of the submissions does not count toward it. Last evaluated 2025-09-06.

Conditions:
RPGR-related retinopathy. Also called: RPGR retinopathy. Identifiers: MedGen CN305589, MONDO:0100437.

Submissions (2):

ClinGen X-linked Inherited Retinal Disease Variant Curation Expert Panel, ClinGen
Classification: Likely pathogenic for RPGR-related retinopathy. Last evaluated: 2025-09-06. Review status: reviewed by expert panel. Criteria: ClinGen X LinkedIRD ACMG Specifications RPGR V1.0.0. Collection method: curation. Allele origin: germline. Inheritance: X-linked inheritance.
Comment: NM_001034853.2(RPGR):c.3034del (p.Glu1012LysfsTer?) is a frameshift variant due to a 1-nucleotide deletion introducing a premature stop codon in exon 15 of 15, which is predicted to disrupt a critical C-terminal region required for proper glutamylation of RPGR (PVS1, PMID: 36445968). This variant was confirmed to result in a 40% decrease in glutamylation of RPGR when co-transfected into HEK293 cells with the glutamylase TTLL5 (PMID: 36445968), however, PS3_Supporting was not scored as PVS1 has already been met. This variant is absent from gnomAD v4.1.0 (PM2_Supporting). This variant has been reported in at least 2 apparently unrelated probands (PMIDs: 36445968, 30543658). However, the number of individuals meeting the PS4 requirement of some functional vision impairment in affected males by age 30 years, and/or decreased or absent electroretinogram responses was fewer than the requirement of at least 2 unrelated probands, so PS4_Supporting was not met. In summary, this variant is classified as likely pathogenic for RPGR-related retinopathy based on the ClinGen X-linked Inherited Retinal Disease Expert Panel Specifications to the ACMG/AMP Variant Interpretation Guidelines for RPGR Version 1.0.0; PVS1 and PM2_Supporting.

CeGaT Center for Human Genetics Tuebingen
Classification: Pathogenic. Last evaluated: 2021-01-01. Review status: criteria provided, single submitter. Criteria: CeGaT Center For Human Genetics Tuebingen Variant Classification Criteria Version 2. Collection method: clinical testing. Allele origin: germline. Affected: yes. Observed: 1 variant allele. Not counted in ClinVar's aggregate classification.